The following is an entry in ClinVar:

ClinVar aggregate classification (germline): Pathogenic (1 of 4 stars; one submission).

Conditions:
Neurofibromatosis, type 1 (NF1). Also called: Peripheral type neurofibromatosis; Neurofibromatosis, type I; NEUROFIBROMATOSIS, TYPE I, SOMATIC; VON RECKLINGHAUSEN DISEASE. Identifiers: Orphanet 636, MedGen C0027831, MONDO:0018975, OMIM 162200. Disease mechanism: loss of function.

Submission:

Labcorp Genetics (formerly Invitae), Labcorp
Classification: Pathogenic for Neurofibromatosis, type 1. Last evaluated: 2021-09-15. Review status: criteria provided, single submitter. Criteria: Invitae Variant Classification Sherloc (09022015). Collection method: clinical testing. Allele origin: germline.
Comment: This variant is not present in population databases (ExAC no frequency). For these reasons, this variant has been classified as Pathogenic. This premature translational stop signal has been observed in individual(s) with neurofibromatosis type 1 (PMID: 10712197). This sequence change creates a premature translational stop signal (p.Trp1258*) in the NF1 gene. It is expected to result in an absent or disrupted protein product. Loss-of-function variants in NF1 are known to be pathogenic (PMID: 10712197, 23913538).

Literature cited by the submitters: PubMed 10712197; PubMed 23913538.

NM_001042492.3(NF1):c.3774del (p.Leu1257_Trp1258insTer)

Gene: NF1 (neurofibromin 1; plus strand). Cytogenetic location: 17q11.2.
Variant type: Deletion.
Coding change: c.3774del on transcript NM_001042492.3 (MANE Select); coding-DNA position 3774, one base deleted (G; older notation c.3774delG).
Protein change: p.Leu1257_Trp1258insTer.
Molecular consequence: nonsense. On other transcripts: frameshift variant (1).
Genome position (GRCh38, 1-based): chr17:31,235,676, G deleted; the last of 2 consecutive G bases (chr17:31,235,675-31,235,676); deleting either gives the same sequence. VCF-style (leftmost placement, unchanged base first): chr17-31235674-TG-T. GRCh37 (hg19) VCF-style: chr17-29562692-TG-T.
Other names: c.3774delG, p.Trp1258Terfs (NM_000267.4).
Identifiers: ClinVar variation 1372376 (VCV001372376.6), dbSNP rs2151437862, ClinGen allele CA2573153380.
Genomic context (GRCh38, chr17:31,235,674, plus strand): 5'-GAACTAGCTCGAGTTCTGGTTACTCTGTTTGATTCTCGGCATTTACTCTACCAACTGCTC[TG>T]GAACATGTTTTCTAAAGAAGTAGAATTGGCAGACTCCATGCAGACTCTCTTCCGAGGCAA-3'